The following is an entry in ClinVar:

ClinVar aggregate classification (germline): Likely benign (1 of 4 stars; one submission).

Allele frequency attached by ClinVar (database versions not stated): ExAC 0.00005; ESP Exome Variant Server 0.00015; 1000 Genomes Project 30x 0.00016; 1000 Genomes Project 0.00020; gnomAD 0.00038.
gnomAD v4.1: 253 of 1,614,224 alleles (0.016%); highest among the groups gnomAD compares: Admixed American, 0.12%; no homozygotes.

Submission:

CeGaT Center for Human Genetics Tuebingen
Classification: Likely benign. Last evaluated: 2023-02-01. Review status: criteria provided, single submitter. Criteria: CeGaT Center For Human Genetics Tuebingen Variant Classification Criteria Version 2. Collection method: clinical testing. Allele origin: germline. Affected: yes. Observed: 1 variant allele.
Comment: KLHL36: BP4

NM_024731.4(KLHL36):c.300G>T (p.Val100=)

Gene: KLHL36 (kelch like family member 36; plus strand). Cytogenetic location: 16q24.1.
Variant type: single nucleotide variant.
Coding change: c.300G>T on transcript NM_024731.4 (MANE Select); coding-DNA position 300, G replaced by T.
Protein change: p.Val100=; no amino-acid change (valine 100 retained).
Molecular consequence: synonymous variant.
Genome position (GRCh38, 1-based): chr16:84,657,107, G>T. VCF-style: chr16-84657107-G-T. GRCh37 (hg19) VCF-style: chr16-84690713-G-T.
Other names: c.300G>T, p.Val100= (NM_001303451.2).
Identifiers: ClinVar variation 2646926 (VCV002646926.24), dbSNP rs143616622, ClinGen allele CA8209917.